The following is an entry in ClinVar:

ClinVar aggregate classification (germline): Likely benign (1 of 4 stars; one submission).

Allele frequency attached by ClinVar (database versions not stated): gnomAD 0.00560 and 0.00623.

Submission:

GeneDx
Classification: Likely benign. Last evaluated: 2018-06-14. Review status: criteria provided, single submitter. Criteria: GeneDx Variant Classification (06012015). Collection method: clinical testing. Allele origin: germline. Affected: yes.
Comment: This variant is considered likely benign or benign based on one or more of the following criteria: it is a conservative change, it occurs at a poorly conserved position in the protein, it is predicted to be benign by multiple in silico algorithms, and/or has population frequency not consistent with disease.

NM_000093.5(COL5A1):c.4609-280del

Genes: COL5A1 (collagen type V alpha 1 chain; plus strand), LOC101448202 (uncharacterized LOC101448202; minus strand). Cytogenetic location: 9q34.3.
Variant type: Deletion.
Coding change: c.4609-280del on transcript NM_000093.5 (MANE Select); 280 bases into the intron before coding-DNA position 4609, one base deleted (G; older notation c.4609-280delG).
Molecular consequence: intron variant.
Genome position (GRCh38, 1-based): chr9:134,822,718, G deleted. VCF-style (leftmost placement, unchanged base first): chr9-134822717-TG-T. GRCh37 (hg19) VCF-style: chr9-137714563-TG-T.
Other names: c.4609-280del (NM_001278074.1).
Identifiers: ClinVar variation 673288 (VCV000673288.1), dbSNP rs1171345687, ClinGen allele CA591112122.